The following is an entry in ClinVar:

NM_001273.5(CHD4):c.272A>G (p.Glu91Gly)

Gene: CHD4 (chromodomain helicase DNA binding protein 4; minus strand). Cytogenetic location: 12p13.31.
Variant type: single nucleotide variant.
Coding change: c.272A>G on transcript NM_001273.5 (MANE Select); coding-DNA position 272, A replaced by G.
Protein change: p.Glu91Gly; replaces glutamic acid 91 with glycine.
Molecular consequence: missense variant.
Genome position (GRCh38, 1-based): chr12:6,602,126, T>C on the plus strand (A>G on the coding strand, the complement: CHD4 is on the minus strand). VCF-style: chr12-6602126-T-C. GRCh37 (hg19) VCF-style: chr12-6711292-T-C.
Other names: c.251A>G, p.Glu84Gly (NM_001297553.2); c.272A>G, p.Glu91Gly (NM_001363606.2); short protein forms E84G, E91G.
Identifiers: ClinVar variation 1704864 (VCV001704864.3), dbSNP rs2540415859, ClinGen allele CA383605000.

ClinVar aggregate classification (germline): Uncertain significance. Review status: criteria provided, multiple submitters, no conflicts (2 of 4 stars). 2 submissions from 2 submitters: Uncertain significance (2). Last evaluated 2024-01-04.

Conditions:
Sifrim-Hitz-Weiss syndrome (SIHIWES). Also called: SIFRIM-HITZ-WEISS MULTIPLE CONGENITAL ANOMALIES-MENTAL RETARDATION SYNDROME; CHD4 Neurodevelopmental Disorder. Identifiers: Orphanet 653712, MedGen C4310688, MONDO:0014946, OMIM 617159.

Submissions (2):

Clinical Genomics Laboratory, Washington University in St. Louis
Classification: Uncertain significance for Sifrim-Hitz-Weiss syndrome. Last evaluated: 2024-01-04. Review status: criteria provided, single submitter. Criteria: ACMG Guidelines, 2015. Collection method: clinical testing. Allele origin: germline.
Comment: The CHD4 c.272A>G (p.Glu91Gly) variant, to our knowledge, has not been reported in the medical literature and is absent from the general population (gnomAD v.2.1.1), indicating it is not a common variant. Computational predictors are uncertain as to the impact of this variant on CHD4 function. This variant has been reported in the ClinVar database as a germline variant of uncertain significance by one submitter. Due to limited information, and based on ACMG/AMP guidelines for variant interpretation (Richards S et al., PMID: 25741868), the clinical significance of this variant is uncertain at this time.

GeneDx
Classification: Uncertain significance. Last evaluated: 2022-03-10. Review status: criteria provided, single submitter. Criteria: GeneDx Variant Classification Process June 2021. Collection method: clinical testing. Allele origin: germline. Affected: yes.
Comment: Has not been previously published as pathogenic or benign to our knowledge; Not observed at significant frequency in large population cohorts (gnomAD); In silico analysis supports that this missense variant has a deleterious effect on protein structure/function